The following is an entry in ClinVar:

ClinVar aggregate classification (germline): Uncertain significance (1 of 4 stars; one submission).

Conditions:
Oligodontia-cancer predisposition syndrome. Also called: TOOTH AGENESIS-COLORECTAL CANCER SYNDROME. Identifiers: Orphanet 300576, MedGen C1837750, MONDO:0012075, OMIM 608615. Disease mechanism: loss of function.

Submission:

Labcorp Genetics (formerly Invitae), Labcorp
Classification: Uncertain significance for Oligodontia-cancer predisposition syndrome. Last evaluated: 2021-04-26. Review status: criteria provided, single submitter. Criteria: Invitae Variant Classification Sherloc (09022015). Collection method: clinical testing. Allele origin: germline.
Comment: This variant has not been reported in the literature in individuals with AXIN2-related conditions. This variant is not present in population databases (ExAC no frequency). This sequence change replaces glutamic acid with aspartic acid at codon 392 of the AXIN2 protein (p.Glu392Asp). The glutamic acid residue is highly conserved and there is a small physicochemical difference between glutamic acid and aspartic acid. Algorithms developed to predict the effect of missense changes on protein structure and function output the following: SIFT: "Deleterious"; PolyPhen-2: "Possibly Damaging"; Align-GVGD: "Class C0". The aspartic acid amino acid residue is found in multiple mammalian species, suggesting that this missense change does not adversely affect protein function. These predictions have not been confirmed by published functional studies and their clinical significance is uncertain. In summary, the available evidence is currently insufficient to determine the role of this variant in disease. Therefore, it has been classified as a Variant of Uncertain Significance.

NM_004655.4(AXIN2):c.1176G>T (p.Glu392Asp)

Gene: AXIN2 (axin 2; minus strand). Cytogenetic location: 17q24.1.
Variant type: single nucleotide variant.
Coding change: c.1176G>T on transcript NM_004655.4 (MANE Select); coding-DNA position 1176, G replaced by T.
Protein change: p.Glu392Asp; replaces glutamic acid 392 with aspartic acid.
Molecular consequence: missense variant.
Genome position (GRCh38, 1-based): chr17:65,538,227, C>A on the plus strand (G>T on the coding strand, the complement: AXIN2 is on the minus strand). VCF-style: chr17-65538227-C-A. GRCh37 (hg19) VCF-style: chr17-63534345-C-A.
Other names: c.1176G>T, p.Glu392Asp (NM_001363813.1); short protein forms E392D.
Identifiers: ClinVar variation 1501153 (VCV001501153.8), dbSNP rs376052287, ClinGen allele CA400678201.